The following is an entry in ClinVar:

NM_015231.3(NUP160):c.3032C>A (p.Ser1011Ter)

Gene: NUP160 (nucleoporin 160; minus strand). Cytogenetic location: 11p11.2.
Variant type: single nucleotide variant.
Coding change: c.3032C>A on transcript NM_015231.3 (MANE Select); coding-DNA position 3032, C replaced by A.
Protein change: p.Ser1011Ter; replaces serine 1011 with a stop codon.
Molecular consequence: nonsense. On other transcripts: non-coding transcript variant (1).
Genome position (GRCh38, 1-based): chr11:47,798,027, G>T on the plus strand (C>A on the coding strand, the complement: NUP160 is on the minus strand). VCF-style: chr11-47798027-G-T. GRCh37 (hg19) VCF-style: chr11-47819579-G-T.
Other names: short protein forms S1011*.
Identifiers: ClinVar variation 4293754 (VCV004293754.1).

ClinVar aggregate classification (germline): Likely pathogenic (1 of 4 stars; one submission).

Conditions:
Nephrotic syndrome, type 19. Identifiers: MedGen C4748552, MONDO:0032582, OMIM 618178.

Submission:

3billion
Classification: Likely pathogenic for Nephrotic syndrome, type 19. Last evaluated: 2025-01-20. Review status: criteria provided, single submitter. Criteria: ACMG Guidelines, 2015. Collection method: clinical testing. Allele origin: germline. Affected: yes.
Comment: The variant is not observed in the gnomAD v4.1.0 dataset. Predicted Consequence/Location: Stop-gained (nonsense): predicted to result in a loss or disruption of normal protein function through nonsense-mediated decay (NMD) or protein truncation. Multiple pathogenic variants are reported downstream of the variant. Therefore, this variant is classified as Likely pathogenic according to the recommendation of ACMG/AMP guideline.